The following is an entry in ClinVar:

NM_000466.3(PEX1):c.830A>G (p.Gln277Arg)

Gene: PEX1 (peroxisomal biogenesis factor 1; minus strand). Cytogenetic location: 7q21.2.
Variant type: single nucleotide variant.
Coding change: c.830A>G on transcript NM_000466.3 (MANE Select); coding-DNA position 830, A replaced by G.
Protein change: p.Gln277Arg; replaces glutamine 277 with arginine.
Molecular consequence: missense variant.
Genome position (GRCh38, 1-based): chr7:92,517,685, T>C on the plus strand (A>G on the coding strand, the complement: PEX1 is on the minus strand). VCF-style: chr7-92517685-T-C. GRCh37 (hg19) VCF-style: chr7-92146999-T-C.
Other names: c.830A>G, p.Gln277Arg (NM_001282677.2); c.206A>G, p.Gln69Arg (NM_001282678.2); short protein forms Q277R, Q69R.
Identifiers: ClinVar variation 360930 (VCV000360930.17), dbSNP rs886062506, ClinGen allele CA10624396.
Genomic context (GRCh38, chr7:92,517,685, plus strand): 5'-ATACTAGGAGGTTGAGATTTGCATACTCTGAAAATATTGTCTAGAGGAACAACCTTTGAC[T>C]GCATATTTTTGAATGCATTGATTTCAGTTAAACCCCAAGATGTCTCTTGTTTCTTCTCAG-3'
Protein context (NP_000457.1, residues 267-287): LTEINAFKNM[Gln277Arg]SKVVPLDNIF

ClinVar aggregate classification (germline): Uncertain significance. Review status: criteria provided, multiple submitters, no conflicts (2 of 4 stars). 4 submissions from 4 submitters: Uncertain significance (3). 1 of the submissions does not count toward it. Last evaluated 2025-03-31.

Conditions:
Zellweger spectrum disorders (ZS). Also called: Zellweger syndrome; Zellweger Spectrum Disorder; Zellweger Spectrum; Zellweger Spectrum Disorder (ZSD). Identifiers: Orphanet 912, MedGen C0043459, MONDO:0019609.
Peroxisome biogenesis disorder 1A (Zellweger) (PBD1A). Also called: Zellweger leukodystrophy; Peroxisome biogenesis disorder 1a. Identifiers: MedGen C4721541, MONDO:0008953, OMIM 214100.

Allele frequency attached by ClinVar (database versions not stated): gnomAD 0.00001; gnomAD exomes 0.00001; TOPMed 0.00001.
gnomAD v4.1: 8 of 1,613,622 alleles (0.0005%); highest among the groups gnomAD compares: Admixed American, 0.0083%; no homozygotes.

Submissions (4):

Labcorp Genetics (formerly Invitae), Labcorp
Classification: Uncertain significance for Zellweger spectrum disorders. Last evaluated: 2025-03-31. Review status: criteria provided, single submitter. Criteria: Invitae Variant Classification Sherloc (09022015). Collection method: clinical testing. Allele origin: germline.
Comment: This sequence change replaces glutamine, which is neutral and polar, with arginine, which is basic and polar, at codon 277 of the PEX1 protein (p.Gln277Arg). This variant is not present in population databases (gnomAD no frequency). This variant has not been reported in the literature in individuals affected with PEX1-related conditions. ClinVar contains an entry for this variant (Variation ID: 360930). Invitae Evidence Modeling of protein sequence and biophysical properties (such as structural, functional, and spatial information, amino acid conservation, physicochemical variation, residue mobility, and thermodynamic stability) indicates that this missense variant is not expected to disrupt PEX1 protein function with a negative predictive value of 95%. In summary, the available evidence is currently insufficient to determine the role of this variant in disease. Therefore, it has been classified as a Variant of Uncertain Significance.

Illumina Laboratory Services, Illumina
Classification: Uncertain significance for Peroxisome biogenesis disorder 1A (Zellweger). Last evaluated: 2018-01-13. Review status: criteria provided, single submitter. Criteria: ICSL Variant Classification Criteria 13 December 2019. Collection method: clinical testing. Allele origin: germline.

Eurofins Ntd Llc (ga)
Classification: Uncertain significance. Last evaluated: 2018-01-02. Review status: criteria provided, single submitter. Criteria: EGL Classification Definitions 2015. Collection method: clinical testing. Allele origin: germline. Observed: 1 variant allele, 1 heterozygote.

Natera, Inc.
Classification: Uncertain significance for Zellweger syndrome. Last evaluated: 2020-09-16. Review status: no assertion criteria provided. Collection method: clinical testing. Allele origin: germline. Not counted in ClinVar's aggregate classification.